The following is an entry in ClinVar:

ClinVar aggregate classification (germline): Pathogenic (1 of 4 stars; one submission).

Submission:

Labcorp Genetics (formerly Invitae), Labcorp
Classification: Pathogenic. Last evaluated: 2023-06-14. Review status: criteria provided, single submitter. Criteria: Invitae Variant Classification Sherloc (09022015). Collection method: clinical testing. Allele origin: germline.
Comment: For these reasons, this variant has been classified as Pathogenic. This variant has not been reported in the literature in individuals affected with ARID1B-related conditions. This variant is not present in population databases (gnomAD no frequency). This sequence change creates a premature translational stop signal (p.Tyr1104*) in the ARID1B gene. It is expected to result in an absent or disrupted protein product. Loss-of-function variants in ARID1B are known to be pathogenic (PMID: 25674384, 30349098).

Literature cited by the submitters: PubMed 25674384; PubMed 30349098.

NM_001374828.1(ARID1B):c.3681C>A (p.Tyr1227Ter)

Gene: ARID1B (AT-rich interaction domain 1B; plus strand). Cytogenetic location: 6q25.3.
Variant type: single nucleotide variant.
Coding change: c.3681C>A on transcript NM_001374828.1 (MANE Select); coding-DNA position 3681, C replaced by A.
Protein change: p.Tyr1227Ter; replaces tyrosine 1227 with a stop codon.
Molecular consequence: nonsense.
Genome position (GRCh38, 1-based): chr6:157,181,145, C>A. VCF-style: chr6-157181145-C-A. GRCh37 (hg19) VCF-style: chr6-157502279-C-A.
Other names: c.3432C>A, p.Tyr1144Ter (NM_001346813.1); c.1182C>A, p.Tyr394Ter (NM_001363725.2); c.3561C>A, p.Tyr1187Ter (NM_001371656.1, NM_001374820.1); c.3522C>A, p.Tyr1174Ter (NM_017519.3); c.3312C>A, p.Tyr1104Ter (NM_020732.3); c.3099C>A, p.Tyr1033Ter (NM_175863.2); short protein forms Y1104*, Y1174*, Y394*, Y1033*, Y1144*, Y1187*, Y1227*.
Identifiers: ClinVar variation 2714881 (VCV002714881.3), dbSNP rs61736269, ClinGen allele CA366228318.